The following is an entry in ClinVar:

ClinVar aggregate classification (germline): Uncertain significance. Review status: criteria provided, multiple submitters, no conflicts (2 of 4 stars). 3 submissions from 3 submitters: Uncertain significance (3). Last evaluated 2025-09-03.

Conditions:
Hereditary cancer-predisposing syndrome. Also called: Tumor predisposition; Hereditary neoplastic syndrome; Neoplastic Syndromes, Hereditary; Hereditary Cancer Syndrome. Identifiers: Orphanet 140162, MedGen C0027672, MeSH D009386, MONDO:0015356.
Rhabdoid tumor predisposition syndrome 2 (RTPS2). Identifiers: Orphanet 231108, Orphanet 69077, MedGen C2750074, MONDO:0013224, OMIM 613325.
SMARCA4-related disorder. Also called: SMARCA4-related condition.

Allele frequency attached by ClinVar (database versions not stated): gnomAD 0.00001; TOPMed 0.00001.
gnomAD v4.1: 2 of 1,608,020 alleles (0.00012%); highest among the groups gnomAD compares: African/African-American, 0.0027%; no homozygotes.

Submissions (3):

Labcorp Genetics (formerly Invitae), Labcorp
Classification: Uncertain significance for Rhabdoid tumor predisposition syndrome 2. Last evaluated: 2025-09-03. Review status: criteria provided, single submitter. Criteria: Invitae Variant Classification Sherloc (09022015). Collection method: clinical testing. Allele origin: germline.
Comment: This sequence change replaces glycine, which is neutral and non-polar, with serine, which is neutral and polar, at codon 309 of the SMARCA4 protein (p.Gly309Ser). This variant is not present in population databases (gnomAD no frequency). This variant has not been reported in the literature in individuals affected with SMARCA4-related conditions. ClinVar contains an entry for this variant (Variation ID: 1050858). Invitae Evidence Modeling of protein sequence and biophysical properties (such as structural, functional, and spatial information, amino acid conservation, physicochemical variation, residue mobility, and thermodynamic stability) indicates that this missense variant is not expected to disrupt SMARCA4 protein function with a negative predictive value of 95%. In summary, the available evidence is currently insufficient to determine the role of this variant in disease. Therefore, it has been classified as a Variant of Uncertain Significance.

Ambry Genetics
Classification: Uncertain significance for Hereditary cancer-predisposing syndrome. Last evaluated: 2024-10-29. Review status: criteria provided, single submitter. Criteria: Ambry Variant Classification Scheme 2023. Collection method: clinical testing. Allele origin: germline.
Comment: The p.G309S variant (also known as c.925G>A), located in coding exon 5 of the SMARCA4 gene, results from a G to A substitution at nucleotide position 925. The glycine at codon 309 is replaced by serine, an amino acid with similar properties. This variant has been detected in multiple individuals with no reported features of Coffin-Siris syndrome (Ambry internal data). This amino acid position is highly conserved in available vertebrate species. In addition, the in silico prediction for this alteration is inconclusive. Based on the supporting evidence, the association of this alteration with rhabdoid tumor predisposition syndrome is unknown; however, the association of this alteration with Coffin-Siris syndrome is unlikely.

PreventionGenetics, part of Exact Sciences
Classification: Uncertain significance for SMARCA4-related condition. Last evaluated: 2024-10-04. Review status: criteria provided, single submitter. Criteria: ACMG Guidelines, 2015. Collection method: clinical testing. Allele origin: germline.
Comment: The SMARCA4 c.925G>A variant is predicted to result in the amino acid substitution p.Gly309Ser. To our knowledge, this variant has not been reported in the literature or in a large population database, indicating this variant is rare. At this time, the clinical significance of this variant is uncertain due to the absence of conclusive functional and genetic evidence.

NM_003072.5(SMARCA4):c.925G>A (p.Gly309Ser)

Gene: SMARCA4 (SWI/SNF related BAF chromatin remodeling complex subunit ATPase 4; plus strand). Cytogenetic location: 19p13.2.
Variant type: single nucleotide variant.
Coding change: c.925G>A on transcript NM_003072.5 (MANE Select); coding-DNA position 925, G replaced by A.
Protein change: p.Gly309Ser; replaces glycine 309 with serine.
Molecular consequence: missense variant. On other transcripts: non-coding transcript variant (1).
Genome position (GRCh38, 1-based): chr19:10,987,731, G>A. VCF-style: chr19-10987731-G-A. GRCh37 (hg19) VCF-style: chr19-11098407-G-A.
Other names: c.925G>A, p.Gly309Ser (NM_001374457.1, NM_001387283.1, NM_001128844.3 and 5 more transcripts); short protein forms G309S.
Identifiers: ClinVar variation 1050858 (VCV001050858.14), dbSNP rs773701962, ClinGen allele CA404058470.